The following is an entry in ClinVar:

NM_001365276.2(TNXB):c.5060del (p.Pro1687fs)

Gene: TNXB (tenascin XB; minus strand). Cytogenetic location: 6p21.33.
Variant type: Deletion.
Coding change: c.5060del on transcript NM_001365276.2 (MANE Select); coding-DNA position 5060, one base deleted (C; older notation c.5060delC).
Protein change: p.Pro1687fs; shifts the reading frame from proline 1687.
Molecular consequence: frameshift variant.
Genome position (GRCh38, 1-based): chr6:32,070,345, G deleted on the plus strand (C on the coding strand, the reverse complement: TNXB is on the minus strand); the first of 4 consecutive G bases (chr6:32,070,345-32,070,348); deleting any one gives the same sequence. VCF-style (leftmost placement, unchanged base first): chr6-32070344-TG-T. GRCh37 (hg19) VCF-style: chr6-32038121-TG-T.
Other names: c.5801del, p.Pro1934fs (NM_001428335.1); c.5060del, p.Pro1687fs (NM_019105.8); short protein forms P1687fs, P1934fs.
Identifiers: ClinVar variation 4879741 (VCV004879741.1).

ClinVar aggregate classification (germline): Pathogenic (1 of 4 stars; one submission).

Conditions:
Ehlers-Danlos syndrome due to tenascin-X deficiency (EDSCLL1). Also called: Ehlers-Danlos syndrome, classic-like, 1; EDS DUE TO TNX DEFICIENCY; EHLERS-DANLOS SYNDROME, CLASSIC-LIKE; TNXB-Related Classical-Like Ehlers-Danlos Syndrome; TNX DEFICIENCY. Identifiers: Orphanet 230839, MedGen C1848029, MONDO:0011670, OMIM 606408.

Submission:

Victorian Clinical Genetics Services, Murdoch Childrens Research Institute
Classification: Pathogenic for Ehlers-Danlos syndrome due to tenascin-X deficiency. Last evaluated: 2026-06-11. Review status: criteria provided, single submitter. Criteria: ACMG Guidelines, 2015. Collection method: clinical testing. Allele origin: germline. Affected: yes.
Comment: This variant is classified as Pathogenic. Evidence in support of pathogenic classification: Variant is predicted to cause nonsense-mediated decay (NMD) and loss of protein (premature termination codon is located at least 54 nucleotides upstream of the final exon-exon junction); Variant is absent from gnomAD (v2, v3 and v4); Other NMD-predicted variant(s) comparable to the one identified in this case have very strong previous evidence for pathogenicity (DECIPHER). Additional information: This variant is heterozygous; This gene is associated with autosomal recessive disease. The association with autosomal dominant vesicoureteral reflux 8 (MIM#615963) currently has insufficient supporting information and is therefore not an established phenotype association (PanelApp); This variant has no previous evidence of pathogenicity; No published evidence of segregation with disease has been identified for this variant; No published functional evidence has been identified for this variant; Loss of function is a known mechanism of disease in this gene and is associated with Ehlers-Danlos syndrome, classic-like, 1 (MIM#606408).